The following is an entry in ClinVar:

NM_032380.5(GFM2):c.669+7del

Gene: GFM2 (GTP dependent ribosome recycling factor mitochondrial 2; minus strand). Cytogenetic location: 5q13.3.
Variant type: Deletion.
Coding change: c.669+7del on transcript NM_032380.5 (MANE Select); 7 bases into the intron after coding-DNA position 669, one base deleted (T; older notation c.669+7delT).
Molecular consequence: intron variant.
Genome position (GRCh38, 1-based): chr5:74,746,098, A deleted on the plus strand (T on the coding strand, the reverse complement: GFM2 is on the minus strand); the first of 2 consecutive A bases (chr5:74,746,098-74,746,099); deleting either gives the same sequence. VCF-style (leftmost placement, unchanged base first): chr5-74746097-CA-C. GRCh37 (hg19) VCF-style: chr5-74041922-CA-C.
Other names: c.669+7delT (NM_032380.3, NM_032380.4); c.669+7del (NM_170691.3, NM_170681.3); c.765+7del (NM_001281302.2).
Identifiers: ClinVar variation 422721 (VCV000422721.8), dbSNP rs768851169, ClinGen allele CA3306725.
Genomic context (GRCh38, chr5:74,746,097, plus strand): 5'-TGTATATATTGTCACAAAATAAATTAATGAGGAAACTGAGAAGAAGCTGATGCTATTAAC[CA>C]ATTTACCTGTAAAAGCAAAGGCTTTGCCTTTAACTTCTCTCTGATGCTTTCAACTGCATA-3'

ClinVar aggregate classification (germline): Benign/Likely benign. Review status: criteria provided, multiple submitters, no conflicts (2 of 4 stars). 4 submissions from 4 submitters: Benign (1); Likely benign (2). 1 of the submissions does not count toward it. Last evaluated 2024-06-28.

Conditions:
GFM2-related disorder. Also called: GFM2-related condition.

Submissions (4):

Labcorp Genetics (formerly Invitae), Labcorp
Classification: Benign. Last evaluated: 2024-06-28. Review status: criteria provided, single submitter. Criteria: Invitae Variant Classification Sherloc (09022015). Collection method: clinical testing. Allele origin: germline.

Blueprint Genetics
Classification: Likely benign. Last evaluated: 2024-02-12. Review status: criteria provided, single submitter. Criteria: ACMG Guidelines, 2015. Collection method: clinical testing. Allele origin: germline.

GeneDx
Classification: Likely benign. Last evaluated: 2016-12-05. Review status: criteria provided, single submitter. Criteria: GeneDx Variant Classification (06012015). Collection method: clinical testing. Allele origin: germline. Affected: yes.
Comment: This variant is considered likely benign or benign based on one or more of the following criteria: it is a conservative change, it occurs at a poorly conserved position in the protein, it is predicted to be benign by multiple in silico algorithms, and/or has population frequency not consistent with disease.

PreventionGenetics, part of Exact Sciences
Classification: Likely benign for GFM2-related condition. Last evaluated: 2020-01-13. Review status: no assertion criteria provided. Collection method: clinical testing. Allele origin: germline. Not counted in ClinVar's aggregate classification.
Comment: This variant is classified as likely benign based on ACMG/AMP sequence variant interpretation guidelines (Richards et al. 2015 PMID: 25741868, with internal and published modifications).